The following is an entry in ClinVar:

NM_000090.4(COL3A1):c.3637G>C (p.Ala1213Pro)

Gene: COL3A1 (collagen type III alpha 1 chain; plus strand). Cytogenetic location: 2q32.2.
Variant type: single nucleotide variant.
Coding change: c.3637G>C on transcript NM_000090.4 (MANE Select); coding-DNA position 3637, G replaced by C.
Protein change: p.Ala1213Pro; replaces alanine 1213 with proline.
Molecular consequence: missense variant.
Genome position (GRCh38, 1-based): chr2:189,009,035, G>C. VCF-style: chr2-189009035-G-C. GRCh37 (hg19) VCF-style: chr2-189873761-G-C.
Other names: short protein forms A1213P.
Identifiers: ClinVar variation 923733 (VCV000923733.5), dbSNP rs1427744978, ClinGen allele CA349846811.

ClinVar aggregate classification (germline): Uncertain significance (1 of 4 stars; one submission).

Conditions:
Familial thoracic aortic aneurysm and aortic dissection (TAAD). Also called: Thoracic aortic aneurysms and dissections. Identifiers: Orphanet 91387, MedGen C4707243, MONDO:0019625.

gnomAD v4.1: 1 of 1,614,170 alleles (0.000062%); highest among the groups gnomAD compares: Non-Finnish European, 0.000085%; no homozygotes.

Submission:

Color Diagnostics, LLC DBA Color Health
Classification: Uncertain significance for Familial thoracic aortic aneurysm and aortic dissection. Last evaluated: 2023-12-05. Review status: criteria provided, single submitter. Criteria: ACMG Guidelines, 2015. Collection method: clinical testing. Allele origin: germline.
Comment: This missense variant replaces alanine with proline at codon 1213 of the COL3A1 protein. Computational prediction tools and conservation analyses suggest that this variant may not impact the protein function. Computational splicing tools suggest that this variant may not impact RNA splicing. To our knowledge, functional assays have not been performed for this variant nor has this variant been reported in individuals affected with cardiovascular disorders in the literature. This variant has not been identified in the general population by the Genome Aggregation Database (gnomAD). Available evidence is insufficient to determine the role of this variant in disease conclusively. Therefore, this variant is classified as a Variant of Uncertain Significance.